The following is an entry in ClinVar:

ClinVar aggregate classification (germline): Uncertain significance (1 of 4 stars; one submission).

gnomAD v4.1: 49 of 853,792 alleles (0.0057%); highest among the groups gnomAD compares: Non-Finnish European, 0.0059%; no homozygotes.

Submission:

CeGaT Center for Human Genetics Tuebingen
Classification: Uncertain significance. Last evaluated: 2023-12-01. Review status: criteria provided, single submitter. Criteria: CeGaT Center For Human Genetics Tuebingen Variant Classification Criteria Version 2. Collection method: clinical testing. Allele origin: germline. Affected: yes. Observed: 1 variant allele.
Comment: DPF2: PP2

NM_006268.5(DPF2):c.637+139G>A

Gene: DPF2 (double PHD fingers 2; plus strand). Cytogenetic location: 11q13.1.
Variant type: single nucleotide variant.
Coding change: c.637+139G>A on transcript NM_006268.5 (MANE Select); 139 bases into the intron after coding-DNA position 637, G replaced by A.
Molecular consequence: intron variant.
Genome position (GRCh38, 1-based): chr11:65,344,208, G>A. VCF-style: chr11-65344208-G-A. GRCh37 (hg19) VCF-style: chr11-65111679-G-A.
Other names: c.637+139G>A (NM_001330308.2).
Identifiers: ClinVar variation 3026482 (VCV003026482.22), dbSNP rs987094660, ClinGen allele CA223956491.